The following is an entry in ClinVar:

ClinVar aggregate classification (germline): Uncertain significance (1 of 4 stars; one submission).

Conditions:
Capillary malformation-arteriovenous malformation syndrome. Also called: Capillary malformation-arteriovenous malformation. Identifiers: Orphanet 137667, MedGen C1842180, MONDO:0012016.

Allele frequency attached by ClinVar (database versions not stated): TOPMed 0.00001; gnomAD 0.00001; gnomAD exomes below 0.00001.
gnomAD v4.1: 4 of 1,613,306 alleles (0.00025%); highest among the groups gnomAD compares: Non-Finnish European, 0.00025%; no homozygotes.

Submission:

Labcorp Genetics (formerly Invitae), Labcorp
Classification: Uncertain significance for Capillary malformation-arteriovenous malformation syndrome. Last evaluated: 2024-05-14. Review status: criteria provided, single submitter. Criteria: Invitae Variant Classification Sherloc (09022015). Collection method: clinical testing. Allele origin: germline.
Comment: This sequence change replaces serine, which is neutral and polar, with threonine, which is neutral and polar, at codon 880 of the RASA1 protein (p.Ser880Thr). This variant is not present in population databases (gnomAD no frequency). This variant has not been reported in the literature in individuals affected with RASA1-related conditions. ClinVar contains an entry for this variant (Variation ID: 239414). An algorithm developed to predict the effect of missense changes on protein structure and function (PolyPhen-2) suggests that this variant is likely to be tolerated. In summary, the available evidence is currently insufficient to determine the role of this variant in disease. Therefore, it has been classified as a Variant of Uncertain Significance.

NM_002890.3(RASA1):c.2638T>A (p.Ser880Thr)

Genes: CCNH (cyclin H; minus strand), RASA1 (RAS p21 protein activator 1; plus strand). Cytogenetic location: 5q14.3.
Variant type: single nucleotide variant.
Coding change: c.2638T>A on transcript NM_002890.3 (MANE Select); coding-DNA position 2638, T replaced by A.
Protein change: p.Ser880Thr; replaces serine 880 with threonine.
Molecular consequence: missense variant. On other transcripts: intron variant (1).
Genome position (GRCh38, 1-based): chr5:87,380,543, T>A. VCF-style: chr5-87380543-T-A. GRCh37 (hg19) VCF-style: chr5-86676360-T-A.
Other names: c.2107T>A, p.Ser703Thr (NM_022650.3); c.933+14501A>T (NM_001364075.2); short protein forms S880T, S703T.
Identifiers: ClinVar variation 239414 (VCV000239414.10), dbSNP rs878854571, ClinGen allele CA10582437.